The following is an entry in ClinVar:

NM_004393.6(DAG1):c.2100T>G (p.Phe700Leu)

Gene: DAG1 (dystroglycan 1; plus strand). Cytogenetic location: 3p21.31.
Variant type: single nucleotide variant.
Coding change: c.2100T>G on transcript NM_004393.6 (MANE Select); coding-DNA position 2100, T replaced by G.
Protein change: p.Phe700Leu; replaces phenylalanine 700 with leucine.
Molecular consequence: missense variant.
Genome position (GRCh38, 1-based): chr3:49,532,611, T>G. VCF-style: chr3-49532611-T-G. GRCh37 (hg19) VCF-style: chr3-49570044-T-G.
Other names: c.2100T>G (NM_004393.4); c.2100T>G, p.Phe700Leu (NM_001165928.4, NM_001177634.3, NM_001177635.3 and 9 more transcripts); short protein forms F700L.
Identifiers: ClinVar variation 539124 (VCV000539124.8), dbSNP rs141697036, ClinGen allele CA352796809.
Genomic context (GRCh38, chr3:49,532,611, plus strand): 5'-GATCGCTGAGGATGATGGAAAACCTCGGCCTGCCTTCTCCAACGCCCTAGAGCCTGACTT[T>G]AAGGCCACAAGCATCACTGTGACGGGCTCTGGCAGTTGTCGGCACCTACAGTTTATCCCT-3'
Protein context (NP_004384.5, residues 690-710): PAFSNALEPD[Phe700Leu]KATSITVTGS

ClinVar aggregate classification (germline): Uncertain significance. Review status: criteria provided, multiple submitters, no conflicts (2 of 4 stars). 2 submissions from 2 submitters: Uncertain significance (2). Last evaluated 2025-08-10.

Conditions:
Autosomal recessive limb-girdle muscular dystrophy type 2P. Also called: MUSCULAR DYSTROPHY-DYSTROGLYCANOPATHY, LIMB-GIRDLE, DAG1-RELATED; Limb-Girdle Muscular Dystrophy Type 9C; MUSCULAR DYSTROPHY, LIMB-GIRDLE, TYPE 2P. Identifiers: Orphanet 280333, MedGen C4511963, MONDO:0013440, OMIM 613818.
Muscular dystrophy-dystroglycanopathy (congenital with brain and eye anomalies), type A9. Also called: WALKER-WARBURG SYNDROME OR MUSCLE-EYE BRAIN DISEASE, DAG1-RELATED; Muscular dystrophy-dystroglycanopathy (congenital with brain and eye anomalies), type a, 9. Identifiers: Orphanet 370997, Orphanet 899, MedGen C4225291, MONDO:0014683, OMIM 616538.
Inborn genetic diseases. Identifiers: MedGen C0950123, MeSH D030342.

gnomAD v4.1: 3 of 1,613,022 alleles (0.00019%); highest among the groups gnomAD compares: Non-Finnish European, 0.00025%; no homozygotes.

Submissions (2):

Ambry Genetics
Classification: Uncertain significance for Inborn genetic diseases. Last evaluated: 2025-08-10. Review status: criteria provided, single submitter. Criteria: Ambry Variant Classification Scheme 2023. Collection method: clinical testing. Allele origin: germline.

Labcorp Genetics (formerly Invitae), Labcorp
Classification: Uncertain significance for Autosomal recessive limb-girdle muscular dystrophy type 2P; Muscular dystrophy-dystroglycanopathy (congenital with brain and eye anomalies), type A9. Last evaluated: 2022-06-27. Review status: criteria provided, single submitter. Criteria: Invitae Variant Classification Sherloc (09022015). Collection method: clinical testing. Allele origin: germline.
Comment: This variant has not been reported in the literature in individuals affected with DAG1-related conditions. This variant is not present in population databases (gnomAD no frequency). This sequence change replaces phenylalanine, which is neutral and non-polar, with leucine, which is neutral and non-polar, at codon 700 of the DAG1 protein (p.Phe700Leu). ClinVar contains an entry for this variant (Variation ID: 539124). In summary, the available evidence is currently insufficient to determine the role of this variant in disease. Therefore, it has been classified as a Variant of Uncertain Significance. Algorithms developed to predict the effect of missense changes on protein structure and function (SIFT, PolyPhen-2, Align-GVGD) all suggest that this variant is likely to be tolerated.